The following is an entry in ClinVar:

NM_022455.5(NSD1):c.6068_6151+174del

Gene: NSD1 (nuclear receptor binding SET domain protein 1; plus strand). Cytogenetic location: 5q35.3.
Variant type: Deletion.
Coding change: c.6068_6151+174del on transcript NM_022455.5 (MANE Select); coding-DNA position 6068 through 174 bases into the intron after coding-DNA position 6151, 258 bases deleted.
Molecular consequence: splice donor variant. On other transcripts: intron variant (1).
Genome position (GRCh38, 1-based): chr5:177,283,845-177,284,102, 258 bases deleted. GRCh37 (hg19): chr5:176,710,846-176,711,103.
Other names: c.6068_6151+174del (NM_001409301.1, NM_001409302.1, NM_001409303.1); c.5648_5731+174del (NM_001409304.1); c.5315_5398+174del (NM_001409305.1); c.5306_5389+174del (NM_001409306.1, NM_001409307.1); c.5195_5278+174del (NM_001409308.1, NM_172349.5, NM_001365684.2); c.5136+1264_5136+1521del (NM_001409309.1).
Identifiers: ClinVar variation 1067392 (VCV001067392.13), dbSNP rs2127262979, ClinGen allele CA2499217787.

ClinVar aggregate classification (germline): Likely pathogenic (1 of 4 stars; one submission).

Submission:

Labcorp Genetics (formerly Invitae), Labcorp
Classification: Likely pathogenic. Last evaluated: 2020-02-10. Review status: criteria provided, single submitter. Criteria: Invitae Variant Classification Sherloc (09022015). Collection method: clinical testing. Allele origin: germline.
Comment: In summary, the currently available evidence indicates that the variant is pathogenic, but additional data are needed to prove that conclusively. Therefore, this variant has been classified as Likely Pathogenic. This variant results in the deletion of part of exon 20 (c.6067_6151+173del) of the NSD1 gene. It is expected to disrupt RNA splicing and likely results in an absent or disrupted protein product. This variant is not present in population databases (ExAC no frequency). This variant has not been reported in the literature in individuals with NSD1-related conditions. Loss-of-function variants in NSD1 are known to be pathogenic (PMID: 12464997, 14571271, 15942875, 16247291).

Literature cited by the submitters: PubMed 12464997; PubMed 14571271; PubMed 15942875; PubMed 16247291.